The following is an entry in ClinVar:

NM_006231.4(POLE):c.3490C>T (p.Pro1164Ser)

Gene: POLE (DNA polymerase epsilon, catalytic subunit; minus strand). Cytogenetic location: 12q24.33.
Variant type: single nucleotide variant.
Coding change: c.3490C>T on transcript NM_006231.4 (MANE Select); coding-DNA position 3490, C replaced by T.
Protein change: p.Pro1164Ser; replaces proline 1164 with serine.
Molecular consequence: missense variant.
Genome position (GRCh38, 1-based): chr12:132,657,228, G>A on the plus strand (C>T on the coding strand, the complement: POLE is on the minus strand). VCF-style: chr12-132657228-G-A. GRCh37 (hg19) VCF-style: chr12-133233814-G-A.
Other names: c.3490C>T (NM_006231.2); short protein forms P1164S.
Identifiers: ClinVar variation 2733547 (VCV002733547.4), dbSNP rs2138657272, ClinGen allele CA387388686.
Genomic context (GRCh38, chr12:132,657,228, plus strand): 5'-TGATCTTCTTCTGCTTGTAGACATCATTCTTCTCCAGCAGTTTTTTGTGCAGCCAGTCGG[G>A]GTGTTTGACACGTGGCACTGGGTTCTTTACCTGTGTGAGGCCAACACCCATCAGAGAGAG-3'
Protein context (NP_006222.2, residues 1154-1174): VKNPVPRVKH[Pro1164Ser]DWLHKKLLEK

ClinVar aggregate classification (germline): Uncertain significance. Review status: criteria provided, multiple submitters, no conflicts (2 of 4 stars). 2 submissions from 2 submitters: Uncertain significance (2). Last evaluated 2025-05-19.

Conditions:
Hereditary cancer-predisposing syndrome. Also called: Tumor predisposition; Hereditary Cancer Syndrome; Neoplastic Syndromes, Hereditary; Hereditary neoplastic syndrome. Identifiers: Orphanet 140162, MedGen C0027672, MeSH D009386, MONDO:0015356.

Submissions (2):

Labcorp Genetics (formerly Invitae), Labcorp
Classification: Uncertain significance. Last evaluated: 2025-05-19. Review status: criteria provided, single submitter. Criteria: Invitae Variant Classification Sherloc (09022015). Collection method: clinical testing. Allele origin: germline.
Comment: This sequence change replaces proline, which is neutral and non-polar, with serine, which is neutral and polar, at codon 1164 of the POLE protein (p.Pro1164Ser). This variant is not present in population databases (gnomAD no frequency). This variant has not been reported in the literature in individuals affected with POLE-related conditions. ClinVar contains an entry for this variant (Variation ID: 2733547). Invitae Evidence Modeling of protein sequence and biophysical properties (such as structural, functional, and spatial information, amino acid conservation, physicochemical variation, residue mobility, and thermodynamic stability) indicates that this missense variant is expected to disrupt POLE protein function with a positive predictive value of 80%. In summary, the available evidence is currently insufficient to determine the role of this variant in disease. Therefore, it has been classified as a Variant of Uncertain Significance.

Ambry Genetics
Classification: Uncertain significance for Hereditary cancer-predisposing syndrome. Last evaluated: 2025-01-06. Review status: criteria provided, single submitter. Criteria: Ambry Variant Classification Scheme 2023. Collection method: clinical testing. Allele origin: germline.
Comment: The p.P1164S variant (also known as c.3490C>T), located in coding exon 29 of the POLE gene, results from a C to T substitution at nucleotide position 3490. The proline at codon 1164 is replaced by serine, an amino acid with similar properties. This amino acid position is highly conserved in available vertebrate species. In addition, the in silico prediction for this alteration is inconclusive. Based on the available evidence, the clinical significance of this variant remains unclear.